The following is an entry in ClinVar:

ClinVar aggregate classification (germline): Uncertain significance (1 of 4 stars; one submission).

Conditions:
Hypertrophic cardiomyopathy. Also called: HYPERTROPHIC MYOCARDIOPATHY. Identifiers: Orphanet 217569, MedGen C0007194, MeSH D002312, MONDO:0005045, HP:0001639.

Submission:

Labcorp Genetics (formerly Invitae), Labcorp
Classification: Uncertain significance for Hypertrophic cardiomyopathy. Last evaluated: 2021-11-20. Review status: criteria provided, single submitter. Criteria: Invitae Variant Classification Sherloc (09022015). Collection method: clinical testing. Allele origin: germline.
Comment: In summary, the available evidence is currently insufficient to determine the role of this variant in disease. Therefore, it has been classified as a Variant of Uncertain Significance. Experimental studies and prediction algorithms are not available or were not evaluated, and the functional significance of this variant is currently unknown. This variant has not been reported in the literature in individuals affected with JPH2-related conditions. This variant is present in population databases (no rsID available, gnomAD 0.01%). This variant, c.810_830del, results in the deletion of 7 amino acid(s) of the JPH2 protein (p.Glu271_Ala277del), but otherwise preserves the integrity of the reading frame.

NM_020433.5(JPH2):c.810_830del (p.Glu271_Ala277del)

Gene: JPH2 (junctophilin 2; minus strand). Cytogenetic location: 20q13.12.
Variant type: Deletion.
Coding change: c.810_830del on transcript NM_020433.5 (MANE Select); coding-DNA positions 810 to 830, 21 bases deleted (CGAGGGCGCCGACGAGGCCGC).
Protein change: p.Glu271_Ala277del.
Molecular consequence: inframe deletion.
Genome position (GRCh38, 1-based): chr20:44,159,957-44,159,977, GCGGCCTCGTCGGCGCCCTCG deleted on the plus strand (CGAGGGCGCCGACGAGGCCGC on the coding strand, the reverse complement: JPH2 is on the minus strand); deleting any 21 consecutive bases within chr20:44,159,957-44,159,985 gives the same sequence; the c. name uses the placement nearest the transcript's 3' end. VCF-style (leftmost placement, unchanged base first): chr20-44159956-TGCGGCCTCGTCGGCGCCCTCG-T. GRCh37 (hg19) VCF-style: chr20-42788596-TGCGGCCTCGTCGGCGCCCTCG-T.
Identifiers: ClinVar variation 1433334 (VCV001433334.6), dbSNP rs1308789253, ClinGen allele CA636173667.